The following is an entry in ClinVar:

ClinVar aggregate classification (germline): Uncertain significance. Review status: criteria provided, multiple submitters, no conflicts (2 of 4 stars). 2 submissions from 2 submitters: Uncertain significance (2). Last evaluated 2023-06-28.

Conditions:
Ataxia-telangiectasia syndrome (AT). Also called: LOUIS-BAR SYNDROME; ATAXIA-TELANGIECTASIA, COMPLEMENTATION GROUP A; Ataxia-telangiectasia, complementation group D; AT, COMPLEMENTATION GROUP C; Ataxia-telangiectasia, complementation group E; Ataxia-telangiectasia. Identifiers: Orphanet 100, MedGen C0004135, MONDO:0008840, OMIM 208900.

Submissions (2):

Labcorp Genetics (formerly Invitae), Labcorp
Classification: Uncertain significance for Ataxia-telangiectasia syndrome. Last evaluated: 2023-06-28. Review status: criteria provided, single submitter. Criteria: Invitae Variant Classification Sherloc (09022015). Collection method: clinical testing. Allele origin: germline.
Comment: An algorithm developed to predict the effect of missense changes on protein structure and function (PolyPhen-2) suggests that this variant is likely to be disruptive. This variant has not been reported in the literature in individuals affected with ATM-related conditions. This variant is not present in population databases (gnomAD no frequency). This sequence change replaces leucine, which is neutral and non-polar, with phenylalanine, which is neutral and non-polar, at codon 419 of the ATM protein (p.Leu419Phe). In summary, the available evidence is currently insufficient to determine the role of this variant in disease. Therefore, it has been classified as a Variant of Uncertain Significance.

GeneDx
Classification: Uncertain significance. Last evaluated: 2023-03-21. Review status: criteria provided, single submitter. Criteria: GeneDx Variant Classification Process June 2021. Collection method: clinical testing. Allele origin: germline. Affected: yes.
Comment: Not observed at significant frequency in large population cohorts (gnomAD); In silico analysis supports that this missense variant has a deleterious effect on protein structure/function; Has not been previously published as pathogenic or benign to our knowledge

NM_000051.4(ATM):c.1257A>C (p.Leu419Phe)

Gene: ATM (ATM serine/threonine kinase; plus strand). Cytogenetic location: 11q22.3.
Variant type: single nucleotide variant.
Coding change: c.1257A>C on transcript NM_000051.4 (MANE Select); coding-DNA position 1257, A replaced by C.
Protein change: p.Leu419Phe; replaces leucine 419 with phenylalanine.
Molecular consequence: missense variant.
Genome position (GRCh38, 1-based): chr11:108,250,722, A>C. VCF-style: chr11-108250722-A-C. GRCh37 (hg19) VCF-style: chr11-108121449-A-C.
Other names: c.1257A>C, p.Leu419Phe (NM_001351834.2); short protein forms L419F.
Identifiers: ClinVar variation 2580403 (VCV002580403.4), dbSNP rs779037197, ClinGen allele CA382533282.